The following is an entry in ClinVar:

ClinVar aggregate classification (germline): Likely benign (1 of 4 stars; one submission).

Allele frequency attached by ClinVar (database versions not stated): ESP Exome Variant Server 0.00009; gnomAD 0.00012 and 0.00013; gnomAD exomes 0.00012 and 0.00031; ExAC 0.00013; TOPMed 0.00015.
gnomAD v4.1: 360 of 1,209,377 alleles (0.03%); highest among the groups gnomAD compares: Non-Finnish European, 0.038%; no homozygotes.

Submission:

CeGaT Center for Human Genetics Tuebingen
Classification: Likely benign. Last evaluated: 2022-04-01. Review status: criteria provided, single submitter. Criteria: CeGaT Center For Human Genetics Tuebingen Variant Classification Criteria Version 2. Collection method: clinical testing. Allele origin: germline. Affected: yes. Observed: 2 variant alleles.
Comment: KLHL15: BP4, BP7

NM_030624.3(KLHL15):c.1149C>T (p.Ala383=)

Gene: KLHL15 (kelch like family member 15; minus strand). Cytogenetic location: Xp22.11.
Variant type: single nucleotide variant.
Coding change: c.1149C>T on transcript NM_030624.3 (MANE Select); coding-DNA position 1149, C replaced by T.
Protein change: p.Ala383=; no amino-acid change (alanine 383 retained).
Molecular consequence: synonymous variant.
Genome position (GRCh38, 1-based): chrX:23,988,587, G>A on the plus strand (C>T on the coding strand, the complement: KLHL15 is on the minus strand). VCF-style: chrX-23988587-G-A. GRCh37 (hg19) VCF-style: chrX-24006704-G-A.
Identifiers: ClinVar variation 1676146 (VCV001676146.33), dbSNP rs368452574, ClinGen allele CA10370509.